The following is an entry in ClinVar:

ClinVar aggregate classification (germline): Uncertain significance (1 of 4 stars; one submission).

gnomAD v4.1: 2 of 1,565,212 alleles (0.00013%); highest among the groups gnomAD compares: African/African-American, 0.0027%; no homozygotes.

Submission:

Labcorp Genetics (formerly Invitae), Labcorp
Classification: Uncertain significance. Last evaluated: 2025-05-14. Review status: criteria provided, single submitter. Criteria: Invitae Variant Classification Sherloc (09022015). Collection method: clinical testing. Allele origin: germline.
Comment: This sequence change replaces proline, which is neutral and non-polar, with alanine, which is neutral and non-polar, at codon 432 of the COL9A2 protein (p.Pro432Ala). This variant is present in population databases (no rsID available, gnomAD 0.01%). This variant has not been reported in the literature in individuals affected with COL9A2-related conditions. Invitae Evidence Modeling of protein sequence and biophysical properties (such as structural, functional, and spatial information, amino acid conservation, physicochemical variation, residue mobility, and thermodynamic stability) indicates that this missense variant is not expected to disrupt COL9A2 protein function with a negative predictive value of 95%. In summary, the available evidence is currently insufficient to determine the role of this variant in disease. Therefore, it has been classified as a Variant of Uncertain Significance.

NM_001852.4(COL9A2):c.1294C>G (p.Pro432Ala)

Gene: COL9A2 (collagen type IX alpha 2 chain; minus strand). Cytogenetic location: 1p34.2.
Variant type: single nucleotide variant.
Coding change: c.1294C>G on transcript NM_001852.4 (MANE Select); coding-DNA position 1294, C replaced by G.
Protein change: p.Pro432Ala; replaces proline 432 with alanine.
Molecular consequence: missense variant.
Genome position (GRCh38, 1-based): chr1:40,304,093, G>C on the plus strand (C>G on the coding strand, the complement: COL9A2 is on the minus strand). VCF-style: chr1-40304093-G-C. GRCh37 (hg19) VCF-style: chr1-40769765-G-C.
Other names: short protein forms P432A.
Identifiers: ClinVar variation 4697098 (VCV004697098.1).